The following is an entry in ClinVar:

ClinVar aggregate classification (germline): Conflicting classifications of pathogenicity. Review status: criteria provided, conflicting classifications (1 of 4 stars). 3 submissions from 3 submitters: Uncertain significance (1); Likely benign (2). Last evaluated 2024-10-27.

Conditions:
Inborn genetic diseases. Identifiers: MedGen C0950123, MeSH D030342.

Allele frequency attached by ClinVar (database versions not stated): gnomAD 0.00001; TOPMed 0.00004; gnomAD exomes 0.00005.
gnomAD v4.1: 72 of 1,614,022 alleles (0.0045%); highest among the groups gnomAD compares: South Asian, 0.051%; no homozygotes.

Submissions (3):

Labcorp Genetics (formerly Invitae), Labcorp
Classification: Uncertain significance. Last evaluated: 2024-10-27. Review status: criteria provided, single submitter. Criteria: Invitae Variant Classification Sherloc (09022015). Collection method: clinical testing. Allele origin: germline.
Comment: This sequence change replaces glycine, which is neutral and non-polar, with arginine, which is basic and polar, at codon 661 of the TFRC protein (p.Gly661Arg). This variant is present in population databases (rs745484177, gnomAD 0.04%). This variant has not been reported in the literature in individuals affected with TFRC-related conditions. ClinVar contains an entry for this variant (Variation ID: 2404996). Invitae Evidence Modeling of protein sequence and biophysical properties (such as structural, functional, and spatial information, amino acid conservation, physicochemical variation, residue mobility, and thermodynamic stability) indicates that this missense variant is not expected to disrupt TFRC protein function with a negative predictive value of 80%. In summary, the available evidence is currently insufficient to determine the role of this variant in disease. Therefore, it has been classified as a Variant of Uncertain Significance.

Blueprint Genetics
Classification: Likely benign. Last evaluated: 2023-10-05. Review status: criteria provided, single submitter. Criteria: ACMG Guidelines, 2015. Collection method: clinical testing. Allele origin: germline.

Ambry Genetics
Classification: Likely benign for Inborn genetic diseases. Last evaluated: 2022-02-10. Review status: criteria provided, single submitter. Criteria: Ambry Variant Classification Scheme 2023. Collection method: clinical testing. Allele origin: germline.

NM_001128148.3(TFRC):c.1981G>A (p.Gly661Arg)

Gene: TFRC (transferrin receptor; minus strand). Cytogenetic location: 3q29.
Variant type: single nucleotide variant.
Coding change: c.1981G>A on transcript NM_001128148.3 (MANE Select); coding-DNA position 1981, G replaced by A.
Protein change: p.Gly661Arg; replaces glycine 661 with arginine.
Molecular consequence: missense variant.
Genome position (GRCh38, 1-based): chr3:196,053,477, C>T on the plus strand (G>A on the coding strand, the complement: TFRC is on the minus strand). VCF-style: chr3-196053477-C-T. GRCh37 (hg19) VCF-style: chr3-195780348-C-T.
Other names: c.1738G>A, p.Gly580Arg (NM_001313965.2); c.1135G>A, p.Gly379Arg (NM_001313966.2); c.1981G>A, p.Gly661Arg (NM_003234.4); short protein forms G379R, G580R, G661R.
Identifiers: ClinVar variation 2404996 (VCV002404996.5), dbSNP rs745484177, ClinGen allele CA2777749.